The following is an entry in ClinVar:

ClinVar aggregate classification (germline): Uncertain significance (1 of 4 stars; one submission).

Submission:

Labcorp Genetics (formerly Invitae), Labcorp
Classification: Uncertain significance. Last evaluated: 2024-11-14. Review status: criteria provided, single submitter. Criteria: Invitae Variant Classification Sherloc (09022015). Collection method: clinical testing. Allele origin: germline.
Comment: This sequence change replaces lysine, which is basic and polar, with asparagine, which is neutral and polar, at codon 143 of the DDX41 protein (p.Lys143Asn). This variant is not present in population databases (gnomAD no frequency). This variant has not been reported in the literature in individuals affected with DDX41-related conditions. An algorithm developed to predict the effect of missense changes on protein structure and function (PolyPhen-2) suggests that this variant is likely to be tolerated. In summary, the available evidence is currently insufficient to determine the role of this variant in disease. Therefore, it has been classified as a Variant of Uncertain Significance.

NM_016222.4(DDX41):c.429A>T (p.Lys143Asn)

Gene: DDX41 (DEAD-box helicase 41; minus strand). Cytogenetic location: 5q35.3.
Variant type: single nucleotide variant.
Coding change: c.429A>T on transcript NM_016222.4 (MANE Select); coding-DNA position 429, A replaced by T.
Protein change: p.Lys143Asn; replaces lysine 143 with asparagine.
Molecular consequence: missense variant.
Genome position (GRCh38, 1-based): chr5:177,515,934, T>A on the plus strand (A>T on the coding strand, the complement: DDX41 is on the minus strand). VCF-style: chr5-177515934-T-A. GRCh37 (hg19) VCF-style: chr5-176942935-T-A.
Other names: c.51A>T, p.Lys17Asn (NM_001321732.2, NM_001321830.2); short protein forms K143N, K17N.
Identifiers: ClinVar variation 3689327 (VCV003689327.2).